The following is an entry in ClinVar:

NM_020166.5(MCCC1):c.1268-2A>G

Gene: MCCC1 (methylcrotonyl-CoA carboxylase subunit 1; minus strand). Cytogenetic location: 3q27.1.
Variant type: single nucleotide variant.
Coding change: c.1268-2A>G on transcript NM_020166.5 (MANE Select); the canonical splice acceptor site of the intron before coding-DNA position 1268, A replaced by G.
Molecular consequence: splice acceptor variant.
Genome position (GRCh38, 1-based): chr3:183,039,137, T>C on the plus strand (A>G on the coding strand, the complement: MCCC1 is on the minus strand). VCF-style: chr3-183039137-T-C. GRCh37 (hg19) VCF-style: chr3-182756925-T-C.
Other names: c.941-2A>G (NM_001363880.1); c.917-2A>G (NM_001293273.2).
Identifiers: ClinVar variation 1072424 (VCV001072424.13), dbSNP rs2108474093, ClinGen allele CA355322083.

ClinVar aggregate classification (germline): Pathogenic. Review status: criteria provided, multiple submitters, no conflicts (2 of 4 stars). 4 submissions from 4 submitters: Pathogenic (3). 1 of the submissions does not count toward it. Last evaluated 2025-08-04.

Conditions:
3-methylcrotonyl-CoA carboxylase 1 deficiency (MCC1D). Also called: MCCD TYPE 1; METHYLCROTONYLGLYCINURIA TYPE I; MCC 1 deficiency; 3 Alpha methylcrotonylglycinuria 1. Identifiers: Orphanet 6, MedGen CN028786, MONDO:0008861, OMIM 210200.

Submissions (4):

Labcorp Genetics (formerly Invitae), Labcorp
Classification: Pathogenic for 3-methylcrotonyl-CoA carboxylase 1 deficiency. Last evaluated: 2025-08-04. Review status: criteria provided, single submitter. Criteria: Invitae Variant Classification Sherloc (09022015). Collection method: clinical testing. Allele origin: germline.
Comment: This sequence change affects an acceptor splice site in intron 11 of the MCCC1 gene. RNA analysis indicates that disruption of this splice site induces altered splicing and likely results in a shortened protein product. This variant is not present in population databases (gnomAD no frequency). Disruption of this splice site has been observed in individual(s) with 3 methylcrotonyl-CoA carboxylase deficiency (PMID: 16835865). ClinVar contains an entry for this variant (Variation ID: 1072424). Studies have shown that disruption of this splice site results in skipping of exons 12-13, but is expected to preserve the integrity of the reading-frame (PMID: 16835865). For these reasons, this variant has been classified as Pathogenic.

Laboratory of Genetics, Children's Clinical University Hospital Latvia
Classification: Pathogenic. Last evaluated: 2025-02-16. Review status: criteria provided, single submitter. Criteria: ACMG Guidelines, 2015. Collection method: clinical testing. Allele origin: germline. Affected: yes.

Baylor Genetics
Classification: Pathogenic for 3-methylcrotonyl-CoA carboxylase 1 deficiency. Last evaluated: 2023-11-13. Review status: criteria provided, single submitter. Criteria: ACMG Guidelines, 2015. Collection method: clinical testing. Allele origin: unknown.

Natera, Inc.
Classification: Pathogenic for 3-methylcrotonyl-CoA carboxylase 1 deficiency. Last evaluated: 2021-08-11. Review status: no assertion criteria provided. Collection method: clinical testing. Allele origin: germline. Not counted in ClinVar's aggregate classification.

Literature cited by the submitters: PubMed 16835865 (cited by Labcorp Genetics (formerly Invitae), Labcorp).